The following is an entry in ClinVar:

NM_001374828.1(ARID1B):c.6130G>A (p.Asp2044Asn)

Gene: ARID1B (AT-rich interaction domain 1B; plus strand). Cytogenetic location: 6q25.3.
Variant type: single nucleotide variant.
Coding change: c.6130G>A on transcript NM_001374828.1 (MANE Select); coding-DNA position 6130, G replaced by A.
Protein change: p.Asp2044Asn; replaces aspartic acid 2044 with asparagine.
Molecular consequence: missense variant.
Genome position (GRCh38, 1-based): chr6:157,206,902, G>A. VCF-style: chr6-157206902-G-A. GRCh37 (hg19) VCF-style: chr6-157528036-G-A.
Other names: c.6259G>A, p.Asp2087Asn (NM_001438482.1); c.6172G>A, p.Asp2058Asn (NM_001438483.1); c.6040G>A, p.Asp2014Asn (NM_001438485.1); c.6013G>A, p.Asp2005Asn (NM_001438486.1); c.5950G>A, p.Asp1984Asn (NM_001438487.1); c.3472G>A, p.Asp1158Asn (NM_001438488.1); c.5971G>A, p.Asp1991Asn (NM_017519.3); c.3631G>A, p.Asp1211Asn (NM_001363725.2); and 1 more; short protein forms D1158N, D1211N, D1984N, D1991N, D2004N, D2005N, D2014N, D2044N.
Identifiers: ClinVar variation 4847891 (VCV004847891.1).

ClinVar aggregate classification (germline): Uncertain significance (1 of 4 stars; one submission).

gnomAD v4.1: 1 of 1,614,184 alleles (0.000062%); highest among the groups gnomAD compares: Non-Finnish European, 0.000085%; no homozygotes.

Submission:

Women's Health and Genetics/Laboratory Corporation of America, LabCorp
Classification: Uncertain significance. Last evaluated: 2026-02-11. Review status: criteria provided, single submitter. Criteria: LabCorp Variant Classification Summary - May 2015. Collection method: clinical testing. Allele origin: germline.
Comment: Variant summary: ARID1B c.6130G>A (p.Asp2044Asn) results in a conservative amino acid change in the encoded protein sequence. Algorithms developed to predict the effect of missense changes on protein structure and function are either unavailable or do not agree on the potential impact of this missense change. The variant was absent in 251224 control chromosomes. The available data on variant occurrences in the general population are insufficient to allow any conclusion about variant significance. To our knowledge, no occurrence of c.6130G>A in individuals affected with ARID1B-related conditions and no experimental evidence demonstrating its impact on protein function have been reported. No submitters have cited clinical-significance assessments for this variant to ClinVar. Based on the evidence outlined above, the variant was classified as uncertain significance.